The following is an entry in ClinVar:

NM_207352.4(CYP4V2):c.282C>T (p.Val94=)

Gene: CYP4V2 (cytochrome P450 family 4 subfamily V member 2; plus strand). Cytogenetic location: 4q35.1.
Variant type: single nucleotide variant.
Coding change: c.282C>T on transcript NM_207352.4 (MANE Select); coding-DNA position 282, C replaced by T.
Protein change: p.Val94=; no amino-acid change (valine 94 retained).
Molecular consequence: synonymous variant.
Genome position (GRCh38, 1-based): chr4:186,194,567, C>T. VCF-style: chr4-186194567-C-T. GRCh37 (hg19) VCF-style: chr4-187115721-C-T.
Identifiers: ClinVar variation 348298 (VCV000348298.15), dbSNP rs142775374, ClinGen allele CA3162490.

ClinVar aggregate classification (germline): Conflicting classifications of pathogenicity. Review status: criteria provided, conflicting classifications (1 of 4 stars). 5 submissions from 4 submitters: Uncertain significance (2); Likely benign (3). Last evaluated 2025-10-14.

Conditions:
CYP4V2-related disorder. Also called: CYP4V2-related disorders; CYP4V2-related condition.
Corneal dystrophy. Identifiers: Orphanet 34533, MedGen C0010036, MONDO:0018102, HP:0001131.
Bietti crystalline corneoretinal dystrophy (BCD). Also called: BIETTI TAPETORETINAL DEGENERATION WITH MARGINAL CORNEAL DYSTROPHY; Bietti Crystalline Dystrophy. Identifiers: Orphanet 41751, MedGen C1859486, MONDO:0008865, OMIM 210370.

Allele frequency attached by ClinVar (database versions not stated): gnomAD exomes 0.00014; 1000 Genomes Project 30x 0.00016; ExAC 0.00016; 1000 Genomes Project 0.00020; gnomAD 0.00035 and 0.00036; TOPMed 0.00039; ESP Exome Variant Server 0.00069.
gnomAD v4.1: 303 of 1,614,116 alleles (0.019%); highest among the groups gnomAD compares: African/African-American, 0.077%; no homozygotes.

Submissions (5):

Labcorp Genetics (formerly Invitae), Labcorp
Classification: Likely benign. Last evaluated: 2025-10-14. Review status: criteria provided, single submitter. Criteria: Invitae Variant Classification Sherloc (09022015). Collection method: clinical testing. Allele origin: germline.

PreventionGenetics, part of Exact Sciences
Classification: Likely benign for CYP4V2-related condition. Last evaluated: 2024-10-30. Review status: criteria provided, single submitter. Criteria: ACMG Guidelines, 2015. Collection method: clinical testing. Allele origin: germline.
Comment: This variant is classified as likely benign based on ACMG/AMP sequence variant interpretation guidelines (Richards et al. 2015 PMID: 25741868, with internal and published modifications).

Blueprint Genetics
Classification: Likely benign. Last evaluated: 2024-07-11. Review status: criteria provided, single submitter. Criteria: ACMG Guidelines, 2015. Collection method: clinical testing. Allele origin: germline.

Illumina Laboratory Services, Illumina
Classification: Uncertain significance for Bietti crystalline corneoretinal dystrophy. Last evaluated: 2018-01-13. Review status: criteria provided, single submitter. Criteria: ICSL Variant Classification Criteria 13 December 2019. Collection method: clinical testing. Allele origin: germline.

Illumina Laboratory Services, Illumina
Classification: Uncertain significance for Corneal dystrophy. Last evaluated: 2018-01-13. Review status: criteria provided, single submitter. Criteria: ICSL Variant Classification Criteria 13 December 2019. Collection method: clinical testing. Allele origin: germline.